The following is an entry in ClinVar:

NM_003239.5(TGFB3):c.884del (p.Gly295fs)

Gene: TGFB3 (transforming growth factor beta 3; minus strand). Cytogenetic location: 14q24.3.
Variant type: Deletion.
Coding change: c.884del on transcript NM_003239.5 (MANE Select); coding-DNA position 884, one base deleted (G; older notation c.884delG).
Protein change: p.Gly295fs; shifts the reading frame from glycine 295.
Molecular consequence: frameshift variant.
Genome position (GRCh38, 1-based): chr14:75,963,358, C deleted on the plus strand (G on the coding strand, the reverse complement: TGFB3 is on the minus strand); the first of 6 consecutive C bases (chr14:75,963,358-75,963,363); deleting any one gives the same sequence. VCF-style (leftmost placement, unchanged base first): chr14-75963357-AC-A. GRCh37 (hg19) VCF-style: chr14-76429700-AC-A.
Other names: c.884del, p.Gly295fs (NM_001329938.2, NM_001329939.2); short protein forms G295fs.
Identifiers: ClinVar variation 2692487 (VCV002692487.2), dbSNP rs1060502826, ClinGen allele CA645583192.
Genomic context (GRCh38, chr14:75,963,357, plus strand): 5'-CATGTGGGCCCAGTCTCACCGGAAGCAGTAATTGGTGTCCAAAGCCCGCTTCTTCCTCTG[AC>A]CCCCCTGGCCCGGGTTGTCGAGCCGGTGTGGGGGAATCATCATGAGGATTAGATGAGGGT-3'

ClinVar aggregate classification (germline): Likely pathogenic. Review status: criteria provided, multiple submitters, no conflicts (2 of 4 stars). 2 submissions from 2 submitters: Likely pathogenic (2). Last evaluated 2023-12-04.

Conditions:
Loeys-Dietz syndrome (LDS). Identifiers: Orphanet 60030, MedGen C2697932, MONDO:0018954.
Rienhoff syndrome. Also called: LOEYS-DIETZ SYNDROME 5. Identifiers: MedGen C3810012, MONDO:0014262, OMIM 615582.

Submissions (2):

Greenwood Genetic Center Diagnostic Laboratories, Greenwood Genetic Center
Classification: Likely pathogenic for Rienhoff syndrome. Last evaluated: 2023-12-04. Review status: criteria provided, single submitter. Criteria: ACMG Guidelines, 2015. Collection method: clinical testing. Allele origin: germline. Affected: yes.
Comment: PVS1, PM2

Laboratory for Molecular Medicine, Mass General Brigham Personalized Medicine
Classification: Likely pathogenic for Loeys-Dietz syndrome. Last evaluated: 2023-02-02. Review status: criteria provided, single submitter. Criteria: ACMG Guidelines, 2015. Collection method: clinical testing. Allele origin: germline.
Comment: The p.Gly295ValfsX74 in TGFB3 has not been reported in individuals with Loeys-Dietz syndrome and was absent from large population databases. This variant is predicted to cause a frameshift, which alters the protein’s amino acid sequence beginning at position 295 and leads to a premature termination codon 74 amino acids downstream. Loss of function of TGFB3 is an established disease mechanism for autosomal dominant Loeys-Dietz syndrome. In summary, although additional studies are required to fully establish its clinical significance, this variant meets criteria to be classified as likely pathogenic for autosomal dominant Loeys-Dietz syndrome. ACMG/AMP criteria applied: PVS1, PM2_Supporting.